The following is an entry in ClinVar:

NM_004855.5(PIGB):c.967C>T (p.His323Tyr)

Gene: PIGB (phosphatidylinositol glycan anchor biosynthesis class B; plus strand). Cytogenetic location: 15q21.3.
Variant type: single nucleotide variant.
Coding change: c.967C>T on transcript NM_004855.5 (MANE Select); coding-DNA position 967, C replaced by T.
Protein change: p.His323Tyr; replaces histidine 323 with tyrosine.
Molecular consequence: missense variant.
Genome position (GRCh38, 1-based): chr15:55,340,732, C>T. VCF-style: chr15-55340732-C-T. GRCh37 (hg19) VCF-style: chr15-55632930-C-T.
Other names: short protein forms H323Y.
Identifiers: ClinVar variation 1426552 (VCV001426552.6), dbSNP rs2141199942, ClinGen allele CA392543023.

ClinVar aggregate classification (germline): Uncertain significance (1 of 4 stars; one submission).

Submission:

Labcorp Genetics (formerly Invitae), Labcorp
Classification: Uncertain significance. Last evaluated: 2021-11-18. Review status: criteria provided, single submitter. Criteria: Invitae Variant Classification Sherloc (09022015). Collection method: clinical testing. Allele origin: germline.
Comment: This sequence change replaces histidine, which is basic and polar, with tyrosine, which is neutral and polar, at codon 323 of the PIGB protein (p.His323Tyr). In summary, the available evidence is currently insufficient to determine the role of this variant in disease. Therefore, it has been classified as a Variant of Uncertain Significance. Algorithms developed to predict the effect of missense changes on protein structure and function are either unavailable or do not agree on the potential impact of this missense change (SIFT: "Tolerated"; PolyPhen-2: "Probably Damaging"; Align-GVGD: "Class C0"). This variant has not been reported in the literature in individuals affected with PIGB-related conditions. This variant is not present in population databases (gnomAD no frequency).